The following is an entry in ClinVar:

ClinVar aggregate classification (germline): Uncertain significance (1 of 4 stars; one submission).

Allele frequency attached by ClinVar (database versions not stated): gnomAD exomes 0.00001 and 0.00003; TOPMed 0.00001; ExAC 0.00002; gnomAD 0.00002; 1000 Genomes Project 30x 0.00031; 1000 Genomes Project 0.00040.
gnomAD v4.1: 20 of 1,613,712 alleles (0.0012%); highest among the groups gnomAD compares: East Asian, 0.027%; no homozygotes.

Submission:

Labcorp Genetics (formerly Invitae), Labcorp
Classification: Uncertain significance. Last evaluated: 2022-09-07. Review status: criteria provided, single submitter. Criteria: Invitae Variant Classification Sherloc (09022015). Collection method: clinical testing. Allele origin: germline.
Comment: This sequence change replaces threonine, which is neutral and polar, with alanine, which is neutral and non-polar, at codon 2129 of the USH2A protein (p.Thr2129Ala). This variant is present in population databases (rs184267885, gnomAD 0.03%). This variant has not been reported in the literature in individuals affected with USH2A-related conditions. ClinVar contains an entry for this variant (Variation ID: 1402004). Algorithms developed to predict the effect of missense changes on protein structure and function output the following: SIFT: "Deleterious"; PolyPhen-2: "Benign"; Align-GVGD: "Class C0". The alanine amino acid residue is found in multiple mammalian species, which suggests that this missense change does not adversely affect protein function. In summary, the available evidence is currently insufficient to determine the role of this variant in disease. Therefore, it has been classified as a Variant of Uncertain Significance.

NM_206933.4(USH2A):c.6385A>G (p.Thr2129Ala)

Gene: USH2A (usherin; minus strand). Cytogenetic location: 1q41.
Variant type: single nucleotide variant.
Coding change: c.6385A>G on transcript NM_206933.4 (MANE Select); coding-DNA position 6385, A replaced by G.
Protein change: p.Thr2129Ala; replaces threonine 2129 with alanine.
Molecular consequence: missense variant.
Genome position (GRCh38, 1-based): chr1:216,000,503, T>C on the plus strand (A>G on the coding strand, the complement: USH2A is on the minus strand). VCF-style: chr1-216000503-T-C. GRCh37 (hg19) VCF-style: chr1-216173845-T-C.
Other names: short protein forms T2129A.
Identifiers: ClinVar variation 1402004 (VCV001402004.3), dbSNP rs184267885, ClinGen allele CA1395155.